The following is an entry in ClinVar:

ClinVar aggregate classification (germline): Likely pathogenic. Review status: criteria provided, single submitter (1 of 4 stars). 2 submissions from 2 submitters: Likely pathogenic (1). 1 of the submissions does not count toward it. Last evaluated 2022-04-25.

Conditions:
Pyruvate dehydrogenase E1-alpha deficiency (PDHAD). Also called: ATAXIA, INTERMITTENT, WITH PYRUVATE DEHYDROGENASE DEFICIENCY; ATAXIA WITH LACTIC ACIDOSIS I; ATAXIA, INTERMITTENT, WITH ABNORMAL PYRUVATE METABOLISM; Ataxia, intermittent, with pyruvate dehydrogenase, or decarboxylase, deficiency. Identifiers: Orphanet 79243, MedGen C1839413, MONDO:0010717, OMIM 312170.

Submissions (2):

Institute of Human Genetics Munich, TUM University Hospital
Classification: Likely pathogenic for Pyruvate dehydrogenase E1-alpha deficiency. Last evaluated: 2022-04-25. Review status: criteria provided, single submitter. Criteria: Classification criteria August 2017. Collection method: clinical testing. Allele origin: de novo. Inheritance: X-linked inheritance. Affected: yes. Observed: 1 variant allele.

PDHA1 Study Group, University Children’s Hospital, Paracelsus Medical University
Classification: Pathogenic for Pyruvate dehydrogenase E1-alpha deficiency. Last evaluated: 2024-10-15. Review status: no assertion criteria provided. Collection method: research. Allele origin: germline. Affected: yes. Observed: 1 variant allele. Not counted in ClinVar's aggregate classification.
Comment: The NM_000284.3:c.640T>G (p.Trp214Gly) substitution is a missense variant in PDHA1 gene. Last literature search: July 12, 2024. This variant is absent or extremely rare in population-based cohorts in the Genome Aggregation Database (gnomAD). Individuals harboring this variant presented with clinical features compatible with PDHA1-related PDHc deficiency. In summary, this variant meets criteria to be classified as pathogenic (P) for PDHA1-related PDHc deficiency based on the ACMG/AMP criteria applied: PS1, PM1, PM2, PM5, PP3 (last assessment October 15, 2024).

Literature cited by the submitters: DOI 10.1093/brain/awaf430 (cited by PDHA1 Study Group, University Children’s Hospital, Paracelsus Medical University).

NM_000284.4(PDHA1):c.640T>G (p.Trp214Gly)

Gene: PDHA1 (pyruvate dehydrogenase E1 subunit alpha 1; plus strand). Cytogenetic location: Xp22.12.
Variant type: single nucleotide variant.
Coding change: c.640T>G on transcript NM_000284.4 (MANE Select); coding-DNA position 640, T replaced by G.
Protein change: p.Trp214Gly; replaces tryptophan 214 with glycine.
Molecular consequence: missense variant.
Genome position (GRCh38, 1-based): chrX:19,355,385, T>G. VCF-style: chrX-19355385-T-G. GRCh37 (hg19) VCF-style: chrX-19373503-T-G.
Other names: c.754T>G, p.Trp252Gly (NM_001173454.2); c.661T>G, p.Trp221Gly (NM_001173455.2); c.547T>G, p.Trp183Gly (NM_001173456.2); c.640T>G (NM_000284.3); short protein forms W183G, W214G, W221G, W252G.
Identifiers: ClinVar variation 1804022 (VCV001804022.2), dbSNP rs886042089, ClinGen allele CA412394391.